The following is an entry in ClinVar:

ClinVar aggregate classification (germline): Uncertain significance (1 of 4 stars; one submission).

Conditions:
Familial thoracic aortic aneurysm and aortic dissection (TAAD). Also called: Thoracic aortic aneurysms and dissections. Identifiers: Orphanet 91387, MedGen C4707243, MONDO:0019625.

Allele frequency attached by ClinVar (database versions not stated): gnomAD exomes below 0.00001.
gnomAD v4.1: 1 of 1,211,298 alleles (0.000083%); highest among the groups gnomAD compares: Non-Finnish European, 0.00011%; no homozygotes.

Submission:

Ambry Genetics
Classification: Uncertain significance for Familial thoracic aortic aneurysm and aortic dissection. Last evaluated: 2016-07-26. Review status: criteria provided, single submitter. Criteria: Ambry Variant Classification Scheme 2023. Collection method: clinical testing. Allele origin: germline.
Comment: The p.A2577T variant (also known as c.7729G>A), located in coding exon 45 of the FLNA gene, results from a G to A substitution at nucleotide position 7729. The alanine at codon 2577 is replaced by threonine, an amino acid with similar properties. This variant was not reported in population based cohorts in the following databases: Database of Single Nucleotide Polymorphisms (dbSNP), NHLBI Exome Sequencing Project (ESP), and 1000 Genomes Project. In the ESP, this variant was not observed in 6072 samples with coverage at this position. This amino acid position is highly conserved in available vertebrate species. In addition, this alteration is predicted to be deleterious by in silico analysis. Since supporting evidence is limited at this time, the clinical significance of this alteration remains unclear.

NM_001110556.2(FLNA):c.7753G>A (p.Ala2585Thr)

Genes: FLNA (filamin A; minus strand), LOC107988032 (Xq28 proximal FLNA-EMD recombination region; plus strand). Cytogenetic location: Xq28.
Variant type: single nucleotide variant.
Coding change: c.7753G>A on transcript NM_001110556.2 (MANE Select); coding-DNA position 7753, G replaced by A.
Protein change: p.Ala2585Thr; replaces alanine 2585 with threonine.
Molecular consequence: missense variant.
Genome position (GRCh38, 1-based): chrX:154,349,365, C>T on the plus strand (G>A on the coding strand, the complement: FLNA is on the minus strand). VCF-style: chrX-154349365-C-T. GRCh37 (hg19) VCF-style: chrX-153577733-C-T.
Other names: c.7729G>A, p.Ala2577Thr (NM_001456.4); short protein forms A2577T, A2585T.
Identifiers: ClinVar variation 519879 (VCV000519879.5), dbSNP rs1557175261, ClinGen allele CA415179233.
Genomic context (GRCh38, chrX:154,349,365, plus strand): 5'-CTGTGATTTCTGGCCTCATTTTGGTGGGAAGGTGGGCCGGGGGCCCAGGTTGCCCACCTG[C>T]TTTGCTGCAGTCTACTGTGAAGCTGCTCTTCTGGCCTACGTAGGCCTTGCTCAGCCCCAG-3'
Protein context (NP_001104026.1, residues 2575-2595): KSSFTVDCSK[Ala2585Thr]GNNMLLVGVH